The following is an entry in ClinVar:

NM_020433.5(JPH2):c.379+8370G>A

Gene: JPH2 (junctophilin 2; minus strand). Cytogenetic location: 20q13.12.
Variant type: single nucleotide variant.
Coding change: c.379+8370G>A on transcript NM_020433.5 (MANE Select); 8370 bases into the intron after coding-DNA position 379, G replaced by A.
Molecular consequence: intron variant. On other transcripts: 3 prime UTR variant (1).
Genome position (GRCh38, 1-based): chr20:44,177,957, C>T on the plus strand (G>A on the coding strand, the complement: JPH2 is on the minus strand). VCF-style: chr20-44177957-C-T. GRCh37 (hg19) VCF-style: chr20-42806597-C-T.
Other names: c.*5G>A (NM_175913.4).
Identifiers: ClinVar variation 3048296 (VCV003048296.2), dbSNP rs202158831, ClinGen allele CA9868861.

ClinVar aggregate classification (germline): Likely benign (0 of 4 stars; one submission).

Conditions:
JPH2-related disorder. Also called: JPH2-related condition.

Allele frequency attached by ClinVar (database versions not stated): gnomAD exomes 0.00001; ExAC 0.00003; gnomAD 0.00006; TOPMed 0.00009; 1000 Genomes Project 0.00040; 1000 Genomes Project 30x 0.00047.
gnomAD v4.1: 26 of 1,204,622 alleles (0.0022%); highest among the groups gnomAD compares: African/African-American, 0.01%; no homozygotes.

Submission:

PreventionGenetics, part of Exact Sciences
Classification: Likely benign for JPH2-related condition. Last evaluated: 2019-11-18. Review status: no assertion criteria provided. Collection method: clinical testing. Allele origin: germline.
Comment: This variant is classified as likely benign based on ACMG/AMP sequence variant interpretation guidelines (Richards et al. 2015 PMID: 25741868, with internal and published modifications).